The following is an entry in ClinVar:

ClinVar aggregate classification (germline): Uncertain significance (1 of 4 stars; one submission).

gnomAD v4.1: 1 of 1,609,446 alleles (0.000062%); highest among the groups gnomAD compares: East Asian, 0.0022%; no homozygotes.

Submission:

Women's Health and Genetics/Laboratory Corporation of America, LabCorp
Classification: Uncertain significance. Last evaluated: 2023-05-15. Review status: criteria provided, single submitter. Criteria: LabCorp Variant Classification Summary - May 2015. Collection method: clinical testing. Allele origin: germline.
Comment: Variant summary: RYR2 c.463+7A>C alters a non-conserved nucleotide located close to a canonical splice site and therefore could affect mRNA splicing, leading to a significantly altered protein sequence. 4/4 computational tools predict no significant impact on normal splicing. However, these predictions have yet to be confirmed by functional studies. The variant was absent in 241988 control chromosomes. The available data on variant occurrences in the general population are insufficient to allow any conclusion about variant significance. To our knowledge, no occurrence of c.463+7A>C in individuals affected with Catecholaminergic Polymorphic Ventricular Tachycardia and no experimental evidence demonstrating its impact on protein function have been reported. No clinical diagnostic laboratories have submitted clinical-significance assessments for this variant to ClinVar after 2014. Based on the evidence outlined above, the variant was classified as uncertain significance.

NM_001035.3(RYR2):c.463+7A>C

Gene: RYR2 (ryanodine receptor 2; plus strand). Cytogenetic location: 1q43.
Variant type: single nucleotide variant.
Coding change: c.463+7A>C on transcript NM_001035.3 (MANE Select); 7 bases into the intron after coding-DNA position 463, A replaced by C.
Molecular consequence: intron variant.
Genome position (GRCh38, 1-based): chr1:237,374,802, A>C. VCF-style: chr1-237374802-A-C. GRCh37 (hg19) VCF-style: chr1-237538102-A-C.
Identifiers: ClinVar variation 2506242 (VCV002506242.1), dbSNP rs755850445, ClinGen allele CA2487309698.